The following is an entry in ClinVar:

ClinVar aggregate classification (germline): Uncertain significance (1 of 4 stars; one submission).

Conditions:
Early-infantile DEE. Also called: Early infantile epileptic encephalopathy; Early infantile epileptic encephalopathy with suppression bursts; Ohtahara syndrome. Identifiers: Orphanet 1934, MedGen C0393706, MONDO:0800491.

Submission:

Labcorp Genetics (formerly Invitae), Labcorp
Classification: Uncertain significance for Early-infantile DEE. Last evaluated: 2025-06-10. Review status: criteria provided, single submitter. Criteria: Invitae Variant Classification Sherloc (09022015). Collection method: clinical testing. Allele origin: germline.
Comment: This sequence change replaces tyrosine, which is neutral and polar, with cysteine, which is neutral and slightly polar, at codon 74 of the KCNQ2 protein (p.Tyr74Cys). This variant is not present in population databases (gnomAD no frequency). This variant has not been reported in the literature in individuals affected with KCNQ2-related conditions. Invitae Evidence Modeling of protein sequence and biophysical properties (such as structural, functional, and spatial information, amino acid conservation, physicochemical variation, residue mobility, and thermodynamic stability) indicates that this missense variant is expected to disrupt KCNQ2 protein function with a positive predictive value of 95%. In summary, the available evidence is currently insufficient to determine the role of this variant in disease. Therefore, it has been classified as a Variant of Uncertain Significance.

NM_172107.4(KCNQ2):c.221A>G (p.Tyr74Cys)

Gene: KCNQ2 (potassium voltage-gated channel subfamily Q member 2; minus strand). Cytogenetic location: 20q13.33.
Variant type: single nucleotide variant.
Coding change: c.221A>G on transcript NM_172107.4 (MANE Select); coding-DNA position 221, A replaced by G.
Protein change: p.Tyr74Cys; replaces tyrosine 74 with cysteine.
Molecular consequence: missense variant.
Genome position (GRCh38, 1-based): chr20:63,472,243, T>C on the plus strand (A>G on the coding strand, the complement: KCNQ2 is on the minus strand). VCF-style: chr20-63472243-T-C. GRCh37 (hg19) VCF-style: chr20-62103596-T-C.
Other names: c.221A>G, p.Tyr74Cys (NM_001382235.1, NM_001439003.1, NM_001439004.1 and 4 more transcripts); short protein forms Y74C.
Identifiers: ClinVar variation 4803161 (VCV004803161.1).